The following is an entry in ClinVar:

ClinVar aggregate classification (germline): Benign. Review status: criteria provided, multiple submitters, no conflicts (2 of 4 stars). 4 submissions from 4 submitters: Benign (4). Last evaluated 2026-01-23.

Conditions:
Craniofrontonasal syndrome (CFNS). Also called: CRANIOFRONTONASAL DYSOSTOSIS. Identifiers: Orphanet 1520, MedGen C0220767, MONDO:0010570, OMIM 304110.

Allele frequency attached by ClinVar (database versions not stated): gnomAD exomes 0.00157 and 0.00447; ExAC 0.00574; gnomAD 0.01643 and 0.01754; TOPMed 0.01903; ESP Exome Variant Server 0.01979; 1000 Genomes Project 0.01987; 1000 Genomes Project 30x 0.02019.

Submissions (4):

Labcorp Genetics (formerly Invitae), Labcorp
Classification: Benign. Last evaluated: 2026-01-23. Review status: criteria provided, single submitter. Criteria: Invitae Variant Classification Sherloc (09022015). Collection method: clinical testing. Allele origin: germline.

GeneDx
Classification: Benign. Last evaluated: 2019-02-14. Review status: criteria provided, single submitter. Criteria: GeneDx Variant Classification Process June 2021. Collection method: clinical testing. Allele origin: germline. Affected: yes.

Genomic Diagnostic Laboratory, Division of Genomic Diagnostics, Children's Hospital of Philadelphia
Classification: Benign for Craniofrontonasal dysplasia. Last evaluated: 2016-09-17. Review status: criteria provided, single submitter. Criteria: DGD Variant Analysis Guidelines. Collection method: clinical testing. Allele origin: germline. Affected: yes. Observed: 1 variant allele.
Comment: Clinical Testing

Breakthrough Genomics
Classification: Benign. Review status: criteria provided, single submitter. Criteria: ACMG Guidelines, 2015. Collection method: not provided. Allele origin: germline. Inheritance: X-linked inheritance. Affected: yes.

NM_004429.5(EFNB1):c.566T>C (p.Val189Ala)

Gene: EFNB1 (ephrin B1; plus strand). Cytogenetic location: Xq13.1.
Variant type: single nucleotide variant.
Coding change: c.566T>C on transcript NM_004429.5 (MANE Select); coding-DNA position 566, T replaced by C.
Protein change: p.Val189Ala; replaces valine 189 with alanine.
Molecular consequence: missense variant.
Genome position (GRCh38, 1-based): chrX:68,840,026, T>C. VCF-style: chrX-68840026-T-C. GRCh37 (hg19) VCF-style: chrX-68059869-T-C.
Other names: short protein forms V189A.
Identifiers: ClinVar variation 374807 (VCV000374807.13), dbSNP rs16989105, ClinGen allele CA10438184.